The following is an entry in ClinVar:

ClinVar aggregate classification (germline): Conflicting classifications of pathogenicity. Review status: criteria provided, conflicting classifications (1 of 4 stars). 3 submissions from 3 submitters: Uncertain significance (2); Likely benign (1). Last evaluated 2025-01-27.

Conditions:
Ataxia-telangiectasia syndrome (AT). Also called: Ataxia telangiectasia (A-T); LOUIS-BAR SYNDROME; Cerebello-oculocutaneous telangiectasia; Immunodeficiency with ataxia telangiectasia; Ataxia-telangiectasia, complementation group D; AT, COMPLEMENTATION GROUP C. Identifiers: Orphanet 100, MedGen C0004135, MONDO:0008840, OMIM 208900.
Hereditary cancer-predisposing syndrome. Also called: Hereditary neoplastic syndrome; Neoplastic Syndromes, Hereditary; Tumor predisposition; Hereditary Cancer Syndrome. Identifiers: Orphanet 140162, MedGen C0027672, MeSH D009386, MONDO:0015356.

Allele frequency attached by ClinVar (database versions not stated): TOPMed below 0.00001.
gnomAD v4.1: 4 of 1,614,148 alleles (0.00025%); highest among the groups gnomAD compares: Non-Finnish European, 0.00034%; no homozygotes.

Submissions (3):

Labcorp Genetics (formerly Invitae), Labcorp
Classification: Likely benign for Ataxia-telangiectasia syndrome. Last evaluated: 2025-01-27. Review status: criteria provided, single submitter. Criteria: Invitae Variant Classification Sherloc (09022015). Collection method: clinical testing. Allele origin: germline.

GeneDx
Classification: Uncertain significance. Last evaluated: 2022-06-22. Review status: criteria provided, single submitter. Criteria: GeneDx Variant Classification Process June 2021. Collection method: clinical testing. Allele origin: germline. Affected: yes.
Comment: Not observed at significant frequency in large population cohorts (gnomAD); In silico analysis supports that this missense variant does not alter protein structure/function; Has not been previously published as pathogenic or benign to our knowledge

Ambry Genetics
Classification: Uncertain significance for Hereditary cancer-predisposing syndrome. Last evaluated: 2021-12-21. Review status: criteria provided, single submitter. Criteria: Ambry Variant Classification Scheme 2023. Collection method: clinical testing. Allele origin: germline.
Comment: The p.K468R variant (also known as c.1403A>G), located in coding exon 9 of the ATM gene, results from an A to G substitution at nucleotide position 1403. The lysine at codon 468 is replaced by arginine, an amino acid with highly similar properties. This amino acid position is not well conserved in available vertebrate species. In addition, this alteration is predicted to be tolerated by in silico analysis. Since supporting evidence is limited at this time, the clinical significance of this alteration remains unclear.

NM_000051.4(ATM):c.1403A>G (p.Lys468Arg)

Gene: ATM (ATM serine/threonine kinase; plus strand). Cytogenetic location: 11q22.3.
Variant type: single nucleotide variant.
Coding change: c.1403A>G on transcript NM_000051.4 (MANE Select); coding-DNA position 1403, A replaced by G.
Protein change: p.Lys468Arg; replaces lysine 468 with arginine.
Molecular consequence: missense variant.
Genome position (GRCh38, 1-based): chr11:108,250,868, A>G. VCF-style: chr11-108250868-A-G. GRCh37 (hg19) VCF-style: chr11-108121595-A-G.
Other names: c.1403A>G, p.Lys468Arg (NM_001351834.2); short protein forms K468R.
Identifiers: ClinVar variation 407603 (VCV000407603.11), dbSNP rs1060501628, ClinGen allele CA16613317.